The following is an entry in ClinVar:

NM_000363.5(TNNI3):c.581A>G (p.Asn194Ser)

Gene: TNNI3 (troponin I3, cardiac type; minus strand). Cytogenetic location: 19q13.42.
Variant type: single nucleotide variant.
Coding change: c.581A>G on transcript NM_000363.5 (MANE Select); coding-DNA position 581, A replaced by G.
Protein change: p.Asn194Ser; replaces asparagine 194 with serine.
Molecular consequence: missense variant.
Genome position (GRCh38, 1-based): chr19:55,151,886, T>C on the plus strand (A>G on the coding strand, the complement: TNNI3 is on the minus strand). VCF-style: chr19-55151886-T-C. GRCh37 (hg19) VCF-style: chr19-55663254-T-C.
Other names: p.N194S:AAC>AGC; c.581A>G (LRG_432t1); short protein forms N194S.
Identifiers: ClinVar variation 181592 (VCV000181592.5), dbSNP rs730881081, ClinGen allele CA021995.

ClinVar aggregate classification (germline): Conflicting classifications of pathogenicity. Review status: criteria provided, conflicting classifications (1 of 4 stars). 2 submissions from 2 submitters: Likely pathogenic (1); Uncertain significance (1). Last evaluated 2024-10-15.

Conditions:
Hypertrophic cardiomyopathy. Also called: HYPERTROPHIC MYOCARDIOPATHY. Identifiers: Orphanet 217569, MedGen C0007194, MeSH D002312, MONDO:0005045, HP:0001639.

Submissions (2):

Labcorp Genetics (formerly Invitae), Labcorp
Classification: Uncertain significance for Hypertrophic cardiomyopathy. Last evaluated: 2024-10-15. Review status: criteria provided, single submitter. Criteria: Invitae Variant Classification Sherloc (09022015). Collection method: clinical testing. Allele origin: germline.
Comment: This sequence change replaces asparagine, which is neutral and polar, with serine, which is neutral and polar, at codon 194 of the TNNI3 protein (p.Asn194Ser). This variant is not present in population databases (gnomAD no frequency). This missense change has been observed in individual(s) with hypertrophic cardiomyopathy (PMID: 25524337; internal data). ClinVar contains an entry for this variant (Variation ID: 181592). An algorithm developed to predict the effect of missense changes on protein structure and function (PolyPhen-2) suggests that this variant is likely to be disruptive. In summary, the available evidence is currently insufficient to determine the role of this variant in disease. Therefore, it has been classified as a Variant of Uncertain Significance.

GeneDx
Classification: Likely pathogenic. Last evaluated: 2013-12-05. Review status: criteria provided, single submitter. Criteria: GeneDx Variant Classification (06012015). Collection method: clinical testing. Allele origin: germline. Affected: yes.
Comment: The Asn194Ser variant in the TNNI3 gene has not been reported as a disease-causing mutation or as a benign polymorphism to our knowledge. The Asn194Ser variant is a conservative amino acid substitution as these residues share similar properties, and are least likely to impact secondary structure. The Asn194 residue is conserved across species. In silico analysis predicts Asn194Ser is damaging to the protein structure/function. Mutations in nearby residues (Asp190Gly, Arg192His, Arg192Cys, Ile195Met, Asp196Asn) have been reported in association with cardiomopathy, further supporting the functional importance of this region of the protein. Furthermore, the Asn194Ser variant was not observed in approximately 6,100 individuals of European and African American ancestry in the NHLBI Exome Sequencing Project, indicating it is not a common benign variant in these populations.In summary, while Asn194Ser is a good candidate for a disease-causing mutation, with the clinical and molecular information available at this time we cannot unequivocally determine the clinical significance of this variant. The variant is found in HCM panel(s).

Literature cited by the submitters: PubMed 25524337 (cited by Labcorp Genetics (formerly Invitae), Labcorp).